The following is an entry in ClinVar:

NM_173728.4(ARHGEF15):c.200C>G (p.Ala67Gly)

Gene: ARHGEF15 (Rho guanine nucleotide exchange factor 15; plus strand). Cytogenetic location: 17p13.1.
Variant type: single nucleotide variant.
Coding change: c.200C>G on transcript NM_173728.4 (MANE Select); coding-DNA position 200, C replaced by G.
Protein change: p.Ala67Gly; replaces alanine 67 with glycine.
Molecular consequence: missense variant.
Genome position (GRCh38, 1-based): chr17:8,312,239, C>G. VCF-style: chr17-8312239-C-G. GRCh37 (hg19) VCF-style: chr17-8215557-C-G.
Other names: c.200C>G, p.Ala67Gly (NM_025014.2); short protein forms A67G.
Identifiers: ClinVar variation 4727378 (VCV004727378.1).

ClinVar aggregate classification (germline): Uncertain significance (1 of 4 stars; one submission).

Conditions:
Early-infantile DEE. Also called: Early infantile epileptic encephalopathy with suppression bursts; Ohtahara syndrome; Early infantile epileptic encephalopathy. Identifiers: Orphanet 1934, MedGen C0393706, MONDO:0800491.

Submission:

Labcorp Genetics (formerly Invitae), Labcorp
Classification: Uncertain significance for Early-infantile DEE. Last evaluated: 2025-09-17. Review status: criteria provided, single submitter. Criteria: Invitae Variant Classification Sherloc (09022015). Collection method: clinical testing. Allele origin: germline.
Comment: This sequence change replaces alanine, which is neutral and non-polar, with glycine, which is neutral and non-polar, at codon 67 of the ARHGEF15 protein (p.Ala67Gly). This variant is not present in population databases (gnomAD no frequency). This variant has not been reported in the literature in individuals affected with ARHGEF15-related conditions. An algorithm developed to predict the effect of missense changes on protein structure and function outputs the following: PolyPhen-2: "Probably Damaging". The glycine amino acid residue is found in multiple mammalian species, which suggests that this missense change does not adversely affect protein function. In summary, the available evidence is currently insufficient to determine the role of this variant in disease. Therefore, it has been classified as a Variant of Uncertain Significance.